The following is an entry in ClinVar:

ClinVar aggregate classification (germline): Conflicting classifications of pathogenicity. Review status: criteria provided, conflicting classifications (1 of 4 stars). 2 submissions from 2 submitters: Uncertain significance (1); Likely benign (1). Last evaluated 2023-05-19.

Conditions:
Severe combined immunodeficiency due to DNA-PKcs deficiency. Also called: Immunodeficiency 26 with or without neurologic abnormalities; IMMUNODEFICIENCY 26 WITH NEUROLOGIC ABNORMALITIES. Identifiers: Orphanet 317425, MedGen C4014833, MONDO:0014423, OMIM 615966.

Allele frequency attached by ClinVar (database versions not stated): gnomAD exomes below 0.00001; gnomAD 0.00001.
gnomAD v4.1: 3 of 1,554,656 alleles (0.00019%); highest among the groups gnomAD compares: Middle Eastern, 0.017%; no homozygotes.

Submissions (2):

Ambry Genetics
Classification: Likely benign. Last evaluated: 2023-05-19. Review status: criteria provided, single submitter. Criteria: Ambry Variant Classification Scheme 2023. Collection method: clinical testing. Allele origin: germline.

Labcorp Genetics (formerly Invitae), Labcorp
Classification: Uncertain significance for Severe combined immunodeficiency due to DNA-PKcs deficiency. Last evaluated: 2019-01-10. Review status: criteria provided, single submitter. Criteria: Invitae Variant Classification Sherloc (09022015). Collection method: clinical testing. Allele origin: germline.
Comment: This sequence change replaces proline with serine at codon 2139 of the PRKDC protein (p.Pro2139Ser). The proline residue is weakly conserved and there is a moderate physicochemical difference between proline and serine. In summary, the available evidence is currently insufficient to determine the role of this variant in disease. Therefore, it has been classified as a Variant of Uncertain Significance. Algorithms developed to predict the effect of missense changes on protein structure and function output the following: SIFT: "Tolerated"; PolyPhen-2: "Benign"; Align-GVGD: "Class C0". The serine amino acid residue is found in multiple mammalian species, suggesting that this missense change does not adversely affect protein function. These predictions have not been confirmed by published functional studies and their clinical significance is uncertain. This variant has not been reported in the literature in individuals with PRKDC-related conditions. This variant is not present in population databases (ExAC no frequency).

NM_006904.7(PRKDC):c.6415C>T (p.Pro2139Ser)

Gene: PRKDC (protein kinase, DNA-activated, catalytic subunit; minus strand). Cytogenetic location: 8q11.21.
Variant type: single nucleotide variant.
Coding change: c.6415C>T on transcript NM_006904.7 (MANE Select); coding-DNA position 6415, C replaced by T.
Protein change: p.Pro2139Ser; replaces proline 2139 with serine.
Molecular consequence: missense variant.
Genome position (GRCh38, 1-based): chr8:47,858,566, G>A on the plus strand (C>T on the coding strand, the complement: PRKDC is on the minus strand). VCF-style: chr8-47858566-G-A. GRCh37 (hg19) VCF-style: chr8-48771127-G-A.
Other names: c.6415C>T, p.Pro2139Ser (NM_001081640.2); short protein forms P2139S.
Identifiers: ClinVar variation 844789 (VCV000844789.10), dbSNP rs2088597912, ClinGen allele CA371160592.